The following is an entry in ClinVar:

ClinVar aggregate classification (germline): Benign. Review status: criteria provided, multiple submitters, no conflicts (2 of 4 stars). 4 submissions from 4 submitters: Benign (3). 1 of the submissions does not count toward it. Last evaluated 2026-02-01.

Conditions:
PLXNA1-related disorder. Also called: PLXNA1-related condition.

Allele frequency attached by ClinVar (database versions not stated): gnomAD 0.10042 and 0.10451; 1000 Genomes Project 30x 0.14413; gnomAD exomes 0.10966 and 0.11259; 1000 Genomes Project 0.14936; TOPMed 0.09402; ExAC 0.11592; ESP Exome Variant Server 0.09788.
gnomAD v4.1: 176,301 of 1,613,876 alleles (11%); highest among the groups gnomAD compares: South Asian, 21%; 10,816 homozygotes.

Submissions (4):

Labcorp Genetics (formerly Invitae), Labcorp
Classification: Benign. Last evaluated: 2026-02-01. Review status: criteria provided, single submitter. Criteria: Invitae Variant Classification Sherloc (09022015). Collection method: clinical testing. Allele origin: germline.

GeneDx
Classification: Benign. Last evaluated: 2019-12-16. Review status: criteria provided, single submitter. Criteria: GeneDx Variant Classification Process June 2021. Collection method: clinical testing. Allele origin: germline. Affected: yes.

Breakthrough Genomics
Classification: Benign. Review status: criteria provided, single submitter. Criteria: ACMG Guidelines, 2015. Collection method: not provided. Allele origin: germline. Inheritance: Autosomal recessive inheritance. Affected: yes.

PreventionGenetics, part of Exact Sciences
Classification: Benign for PLXNA1-related condition. Last evaluated: 2019-10-21. Review status: no assertion criteria provided. Collection method: clinical testing. Allele origin: germline. Not counted in ClinVar's aggregate classification.
Comment: This variant is classified as benign based on ACMG/AMP sequence variant interpretation guidelines (Richards et al. 2015 PMID: 25741868, with internal and published modifications).

NM_032242.4(PLXNA1):c.3108C>T (p.Thr1036=)

Gene: PLXNA1 (plexin A1; plus strand). Cytogenetic location: 3q21.3.
Variant type: single nucleotide variant.
Coding change: c.3108C>T on transcript NM_032242.4 (MANE Select); coding-DNA position 3108, C replaced by T.
Protein change: p.Thr1036=; no amino-acid change (threonine 1036 retained).
Molecular consequence: synonymous variant.
Genome position (GRCh38, 1-based): chr3:127,016,610, C>T. VCF-style: chr3-127016610-C-T. GRCh37 (hg19) VCF-style: chr3-126735453-C-T.
Identifiers: ClinVar variation 1286763 (VCV001286763.12), dbSNP rs9858521, ClinGen allele CA2593899.